The following is an entry in ClinVar:

ClinVar aggregate classification (germline): Uncertain significance. Review status: criteria provided, multiple submitters, no conflicts (2 of 4 stars). 2 submissions from 2 submitters: Uncertain significance (2). Last evaluated 2023-12-14.

Conditions:
Epileptic encephalopathy. Identifiers: MedGen C0543888, HP:0200134.

Allele frequency attached by ClinVar (database versions not stated): gnomAD exomes below 0.00001; TOPMed 0.00001.
gnomAD v4.1: 1 of 1,612,692 alleles (0.000062%); highest among the groups gnomAD compares: Non-Finnish European, 0.000085%; no homozygotes.

Submissions (2):

Labcorp Genetics (formerly Invitae), Labcorp
Classification: Uncertain significance for Epileptic encephalopathy. Last evaluated: 2023-12-14. Review status: criteria provided, single submitter. Criteria: Invitae Variant Classification Sherloc (09022015). Collection method: clinical testing. Allele origin: germline.
Comment: This sequence change replaces threonine, which is neutral and polar, with serine, which is neutral and polar, at codon 2083 of the FASN protein (p.Thr2083Ser). This variant is not present in population databases (gnomAD no frequency). This variant has not been reported in the literature in individuals affected with FASN-related conditions. ClinVar contains an entry for this variant (Variation ID: 2523166). An algorithm developed to predict the effect of missense changes on protein structure and function (PolyPhen-2) suggests that this variant is likely to be tolerated. In summary, the available evidence is currently insufficient to determine the role of this variant in disease. Therefore, it has been classified as a Variant of Uncertain Significance.

Ambry Genetics
Classification: Uncertain significance. Last evaluated: 2023-04-26. Review status: criteria provided, single submitter. Criteria: Ambry Variant Classification Scheme 2023. Collection method: clinical testing. Allele origin: germline.

NM_004104.5(FASN):c.6247A>T (p.Thr2083Ser)

Gene: FASN (fatty acid synthase; minus strand). Cytogenetic location: 17q25.3.
Variant type: single nucleotide variant.
Coding change: c.6247A>T on transcript NM_004104.5 (MANE Select); coding-DNA position 6247, A replaced by T.
Protein change: p.Thr2083Ser; replaces threonine 2083 with serine.
Molecular consequence: missense variant.
Genome position (GRCh38, 1-based): chr17:82,081,760, T>A on the plus strand (A>T on the coding strand, the complement: FASN is on the minus strand). VCF-style: chr17-82081760-T-A. GRCh37 (hg19) VCF-style: chr17-80039636-T-A.
Other names: short protein forms T2083S.
Identifiers: ClinVar variation 2523166 (VCV002523166.5), dbSNP rs1385981403, ClinGen allele CA401601225.
Genomic context (GRCh38, chr17:82,081,760, plus strand): 5'-GGGGCTGGTTCAGGAAGAGGTCCAGCACCTCCAGGCAGGACGCCATGCGCTGGGGCAGCG[T>A]GCCACTGACGATCGTGTCGTTGGTGCTCATCGTCTCCACCAAAATGCCCACGTCGCCGAT-3'
Protein context (NP_004095.4, residues 2073-2093): MSTNDTIVSG[Thr2083Ser]LPQRMASCLE